The following is an entry in ClinVar:

NM_205836.3(FBXO38):c.914A>G (p.Asn305Ser)

Gene: FBXO38 (F-box protein 38; plus strand). Cytogenetic location: 5q32.
Variant type: single nucleotide variant.
Coding change: c.914A>G on transcript NM_205836.3 (MANE Select); coding-DNA position 914, A replaced by G.
Protein change: p.Asn305Ser; replaces asparagine 305 with serine.
Molecular consequence: missense variant.
Genome position (GRCh38, 1-based): chr5:148,409,169, A>G. VCF-style: chr5-148409169-A-G. GRCh37 (hg19) VCF-style: chr5-147788732-A-G.
Other names: c.914A>G, p.Asn305Ser (NM_001271723.2, NM_030793.5); short protein forms N305S.
Identifiers: ClinVar variation 3371409 (VCV003371409.1).

ClinVar aggregate classification (germline): Uncertain significance (1 of 4 stars; one submission).

gnomAD v4.1: 1 of 1,613,482 alleles (0.000062%); highest among the groups gnomAD compares: African/African-American, 0.0013%; no homozygotes.

Submission:

GeneDx
Classification: Uncertain significance. Last evaluated: 2024-04-01. Review status: criteria provided, single submitter. Criteria: GeneDx Variant Classification Process June 2021. Collection method: clinical testing. Allele origin: germline. Affected: yes.
Comment: Not observed at significant frequency in large population cohorts (gnomAD); In silico analysis supports that this missense variant has a deleterious effect on protein structure/function; Has not been previously published as pathogenic or benign to our knowledge